The following is an entry in ClinVar:

ClinVar aggregate classification (germline): Uncertain significance (1 of 4 stars; one submission).

Conditions:
Neuroferritinopathy (NBIA3). Also called: NEURODEGENERATION WITH BRAIN IRON ACCUMULATION 3; BASAL GANGLIA DISEASE, ADULT-ONSET. Identifiers: Orphanet 157846, MedGen C1853578, MONDO:0011638, OMIM 606159.
Hereditary hyperferritinemia with congenital cataracts. Also called: Hereditary hyperferritinemia cataract syndrome; Bonneau-Beaumont syndrome; HYPERFERRITINEMIA WITH OR WITHOUT CATARACT. Identifiers: Orphanet 163, MedGen C1833213, MONDO:0010952, OMIM 600886.

Submission:

Labcorp Genetics (formerly Invitae), Labcorp
Classification: Uncertain significance for Neuroferritinopathy; Hereditary hyperferritinemia with congenital cataracts. Last evaluated: 2024-11-11. Review status: criteria provided, single submitter. Criteria: Invitae Variant Classification Sherloc (09022015). Collection method: clinical testing. Allele origin: germline.
Comment: This variant occurs in a non-coding region of the FTL gene. It does not change the encoded amino acid sequence of the FTL protein. This variant is not present in population databases (gnomAD no frequency). This variant has not been reported in the literature in individuals affected with FTL-related conditions. Experimental studies and prediction algorithms are not available or were not evaluated, and the functional significance of this variant is currently unknown. In summary, the available evidence is currently insufficient to determine the role of this variant in disease. Therefore, it has been classified as a Variant of Uncertain Significance.

NC_000019.10:g.48965301dup

Gene: FTL (ferritin light chain; plus strand). Cytogenetic location: 19q13.33.
Variant type: Duplication.
Genome position: GRCh38 VCF-style: chr19-48965300-C-CG. GRCh37 (hg19) VCF-style: chr19-49468557-C-CG.
Identifiers: ClinVar variation 2947636 (VCV002947636.3), dbSNP rs2513694075, ClinGen allele CA2740096956.
Genomic context (GRCh38, chr19:48,965,300, plus strand): 5'-CCCTCCCCGAGCGCCCTGCCTCCGAGGGCCGGCGCACCATAAAAGAAGCCGCCCTAGCCA[C>CG]GTCCCCTCGCAGTTCGGCGGTCCCGCGGGTCTGTCTCTTGCTTCAACAGTGTTTGGACGG-3'